The following is an entry in ClinVar:

ClinVar aggregate classification (germline): Uncertain significance (1 of 4 stars; one submission).

Conditions:
Hereditary breast ovarian cancer syndrome. Also called: BRCA1- and BRCA2-Associated Hereditary Breast and Ovarian Cancer; Hereditary breast and ovarian cancer; Hereditary breast and ovarian cancer syndrome; Breast and ovarian cancer; Hereditary breast and/or ovarian cancer syndrome; Hereditary breast and ovarian cancer syndrome (HBOC). Identifiers: Orphanet 145, MedGen C0677776, MeSH D061325, MONDO:0003582. Disease mechanism: loss of function.

Submission:

Labcorp Genetics (formerly Invitae), Labcorp
Classification: Uncertain significance for Hereditary breast ovarian cancer syndrome. Last evaluated: 2024-07-08. Review status: criteria provided, single submitter. Criteria: Invitae Variant Classification Sherloc (09022015). Collection method: clinical testing. Allele origin: germline.
Comment: This sequence change replaces threonine, which is neutral and polar, with serine, which is neutral and polar, at codon 2790 of the BRCA2 protein (p.Thr2790Ser). This variant is not present in population databases (gnomAD no frequency). This variant has not been reported in the literature in individuals affected with BRCA2-related conditions. ClinVar contains an entry for this variant (Variation ID: 1008583). Advanced modeling of protein sequence and biophysical properties (such as structural, functional, and spatial information, amino acid conservation, physicochemical variation, residue mobility, and thermodynamic stability) performed at Invitae indicates that this missense variant is not expected to disrupt BRCA2 protein function with a negative predictive value of 95%. In summary, the available evidence is currently insufficient to determine the role of this variant in disease. Therefore, it has been classified as a Variant of Uncertain Significance.

NM_000059.4(BRCA2):c.8369C>G (p.Thr2790Ser)

Gene: BRCA2 (BRCA2 DNA repair associated; plus strand). Cytogenetic location: 13q13.1.
Variant type: single nucleotide variant.
Coding change: c.8369C>G on transcript NM_000059.4 (MANE Select); coding-DNA position 8369, C replaced by G.
Protein change: p.Thr2790Ser; replaces threonine 2790 with serine.
Molecular consequence: missense variant.
Genome position (GRCh38, 1-based): chr13:32,370,439, C>G. VCF-style: chr13-32370439-C-G. GRCh37 (hg19) VCF-style: chr13-32944576-C-G.
Other names: short protein forms T2790S.
Identifiers: ClinVar variation 1008583 (VCV001008583.11), dbSNP rs2072819580, ClinGen allele CA387752437.